The following is an entry in ClinVar:

NM_001271.4(CHD2):c.2277A>G (p.Lys759=)

Gene: CHD2 (chromodomain helicase DNA binding protein 2; plus strand). Cytogenetic location: 15q26.1.
Variant type: single nucleotide variant.
Coding change: c.2277A>G on transcript NM_001271.4 (MANE Select); coding-DNA position 2277, A replaced by G.
Protein change: p.Lys759=; no amino-acid change (lysine 759 retained).
Molecular consequence: synonymous variant.
Genome position (GRCh38, 1-based): chr15:92,971,852, A>G. VCF-style: chr15-92971852-A-G. GRCh37 (hg19) VCF-style: chr15-93515082-A-G.
Identifiers: ClinVar variation 2498627 (VCV002498627.31), dbSNP rs2505526527, ClinGen allele CA492499440.

ClinVar aggregate classification (germline): Likely benign. Review status: criteria provided, multiple submitters, no conflicts (2 of 4 stars). 2 submissions from 2 submitters: Likely benign (2). Last evaluated 2023-11-11.

Conditions:
Developmental and epileptic encephalopathy 94 (DEE94). Also called: CHD2-Related Neurodevelopmental Disorders; Epileptic encephalopathy, childhood-onset. Identifiers: Orphanet 1942, Orphanet 2382, MedGen C3809278, MONDO:0014150, OMIM 615369.

Submissions (2):

Labcorp Genetics (formerly Invitae), Labcorp
Classification: Likely benign for Developmental and epileptic encephalopathy 94. Last evaluated: 2023-11-11. Review status: criteria provided, single submitter. Criteria: Invitae Variant Classification Sherloc (09022015). Collection method: clinical testing. Allele origin: germline.

CeGaT Center for Human Genetics Tuebingen
Classification: Likely benign. Last evaluated: 2023-03-01. Review status: criteria provided, single submitter. Criteria: CeGaT Center For Human Genetics Tuebingen Variant Classification Criteria Version 2. Collection method: clinical testing. Allele origin: germline. Affected: yes. Observed: 1 variant allele.
Comment: CHD2: PM2:Supporting, BP4, BP7